The following is an entry in ClinVar:

NM_006922.4(SCN3A):c.2536G>A (p.Gly846Arg)

Gene: SCN3A (sodium voltage-gated channel alpha subunit 3; minus strand). Cytogenetic location: 2q24.3.
Variant type: single nucleotide variant.
Coding change: c.2536G>A on transcript NM_006922.4 (MANE Select); coding-DNA position 2536, G replaced by A.
Protein change: p.Gly846Arg; replaces glycine 846 with arginine.
Molecular consequence: missense variant.
Genome position (GRCh38, 1-based): chr2:165,131,273, C>T on the plus strand (G>A on the coding strand, the complement: SCN3A is on the minus strand). VCF-style: chr2-165131273-C-T. GRCh37 (hg19) VCF-style: chr2-165987783-C-T.
Other names: c.2389G>A, p.Gly797Arg (NM_001081676.2, NM_001081677.2); short protein forms G797R, G846R.
Identifiers: ClinVar variation 5018456 (VCV005018456.1).

ClinVar aggregate classification (germline): Uncertain significance (1 of 4 stars; one submission).

Submission:

GeneDx
Classification: Uncertain significance. Last evaluated: 2026-03-26. Review status: criteria provided, single submitter. Criteria: GeneDx Variant Classification Process June 2021. Collection method: clinical testing. Allele origin: germline.
Comment: Not observed at significant frequency in large population cohorts (gnomAD); In silico analysis supports that this missense variant has a deleterious effect on protein structure/function; Has not been previously published as pathogenic or benign to our knowledge